The following is an entry in ClinVar:

NM_000089.4(COL1A2):c.2797G>A (p.Asp933Asn)

Gene: COL1A2 (collagen type I alpha 2 chain; plus strand). Cytogenetic location: 7q21.3.
Variant type: single nucleotide variant.
Coding change: c.2797G>A on transcript NM_000089.4 (MANE Select); coding-DNA position 2797, G replaced by A.
Protein change: p.Asp933Asn; replaces aspartic acid 933 with asparagine.
Molecular consequence: missense variant.
Genome position (GRCh38, 1-based): chr7:94,425,625, G>A. VCF-style: chr7-94425625-G-A. GRCh37 (hg19) VCF-style: chr7-94054937-G-A.
Other names: c.2797G>A (NM_000089.3); short protein forms D933N.
Identifiers: ClinVar variation 1335677 (VCV001335677.41), dbSNP rs779358259, ClinGen allele CA4347564.

ClinVar aggregate classification (germline): Uncertain significance. Review status: criteria provided, multiple submitters, no conflicts (2 of 4 stars). 5 submissions from 5 submitters: Uncertain significance (5). Last evaluated 2026-07-09.

Conditions:
Osteogenesis imperfecta type I (OI1). Also called: OI, TYPE I; OSTEOGENESIS IMPERFECTA TARDA; OSTEOGENESIS IMPERFECTA WITH BLUE SCLERAE; Lobstein's Disease; Osteogenesis imperfecta type 1; Lobstein disease. Identifiers: Orphanet 216796, Orphanet 666, MedGen C0023931, MONDO:0008146, OMIM 166200. Disease mechanism: loss of function.
Ehlers-Danlos syndrome, classic type, 1 (EDSCL1). Also called: Ehlers-Danlos syndrome, type 1; Ehlers-Danlos Syndrome, Classic Type, COL5A1-Related; EHLERS-DANLOS SYNDROME, GRAVIS TYPE; EHLERS-DANLOS SYNDROME, SEVERE CLASSIC TYPE; EDS I. Identifiers: MedGen C0268335, MONDO:0019567, OMIM 130000.
Ehlers-Danlos syndrome, arthrochalasia type, 2. Also called: EHLERS-DANLOS SYNDROME, TYPE VIIB, AUTOSOMAL DOMINANT. Identifiers: MedGen CN293783, MONDO:0040501, OMIM 617821.
Cardiovascular phenotype. Identifiers: MedGen CN230736.

Allele frequency attached by ClinVar (database versions not stated): ExAC 0.00001; gnomAD 0.00001 and 0.00002; gnomAD exomes 0.00001; TOPMed 0.00001.
gnomAD v4.1: 22 of 1,614,084 alleles (0.0014%); highest among the groups gnomAD compares: East Asian, 0.0045%; no homozygotes.

Submissions (5):

Ambry Genetics
Classification: Uncertain significance for Cardiovascular phenotype. Last evaluated: 2026-07-09. Review status: criteria provided, single submitter. Criteria: Ambry Variant Classification Scheme 2023. Collection method: clinical testing. Allele origin: germline.
Comment: The p.D933N variant (also known as c.2797G>A), located in coding exon 43 of the COL1A2 gene, results from a G to A substitution at nucleotide position 2797. The aspartic acid at codon 933 is replaced by asparagine, an amino acid with highly similar properties. This variant was reported in individual(s) with features consistent with osteogenesis imperfecta (Aubry-Rozier B et al. Swiss Med Wkly, 2020 Jun;150:w20285). This amino acid position is highly conserved in available vertebrate species. In addition, the in silico prediction for this alteration is inconclusive. Based on the available evidence, the clinical significance of this variant remains unclear.

Women's Health and Genetics/Laboratory Corporation of America, LabCorp
Classification: Uncertain significance. Last evaluated: 2026-04-16. Review status: criteria provided, single submitter. Criteria: LabCorp Variant Classification Summary - May 2015. Collection method: clinical testing. Allele origin: germline.
Comment: Variant summary: COL1A2 c.2797G>A (p.Asp933Asn) results in a conservative amino acid change in the encoded protein sequence. Algorithms developed to predict the effect of missense changes on protein structure and function are either unavailable or do not agree on the potential impact of this missense change. The variant allele was found at a frequency of 8e-06 in 251238 control chromosomes. The available data on variant occurrences in the general population are insufficient to allow any conclusion about variant significance. c.2797G>A has been reported in the heterozygous state in at least 1 individual affected with COL1A2-related conditions (example, Abegglen_2025) without strong evidence for causality. To our knowledge, no experimental evidence demonstrating its impact on protein function have been reported. The following publication has been ascertained in the context of this evaluation (PMID: 39957537). ClinVar contains an entry for this variant (Variation ID: 1335677). Based on the evidence outlined above, the variant was classified as uncertain significance.

CeGaT Center for Human Genetics Tuebingen
Classification: Uncertain significance. Last evaluated: 2025-11-01. Review status: criteria provided, single submitter. Criteria: CeGaT Center For Human Genetics Tuebingen Variant Classification Criteria Version 2. Collection method: clinical testing. Allele origin: germline. Affected: yes. Observed: 2 variant alleles.
Comment: COL1A2: PM2:Supporting, PS4:Supporting

Labcorp Genetics (formerly Invitae), Labcorp
Classification: Uncertain significance for Osteogenesis imperfecta type I; Ehlers-Danlos syndrome, classic type, 1. Last evaluated: 2025-04-23. Review status: criteria provided, single submitter. Criteria: Invitae Variant Classification Sherloc (09022015). Collection method: clinical testing. Allele origin: germline.
Comment: This sequence change replaces aspartic acid, which is acidic and polar, with asparagine, which is neutral and polar, at codon 933 of the COL1A2 protein (p.Asp933Asn). This variant is present in population databases (rs779358259, gnomAD 0.002%). This variant has not been reported in the literature in individuals affected with COL1A2-related conditions. ClinVar contains an entry for this variant (Variation ID: 1335677). Invitae Evidence Modeling of protein sequence and biophysical properties (such as structural, functional, and spatial information, amino acid conservation, physicochemical variation, residue mobility, and thermodynamic stability) indicates that this missense variant is not expected to disrupt COL1A2 protein function with a negative predictive value of 80%. In summary, the available evidence is currently insufficient to determine the role of this variant in disease. Therefore, it has been classified as a Variant of Uncertain Significance.

Laboratory of Medical Genetics, National & Kapodistrian University of Athens
Classification: Uncertain significance for Ehlers-Danlos syndrome, arthrochalasia type, 2. Last evaluated: 2022-03-22. Review status: criteria provided, single submitter. Criteria: ACMG Guidelines, 2015. Collection method: clinical testing. Allele origin: germline. Affected: yes.
Comment: PM2, PP2, PP3

Literature cited by the submitters: PubMed 32667677 (cited by Ambry Genetics); PubMed 39957537 (cited by Women's Health and Genetics/Laboratory Corporation of America, LabCorp).